The following is an entry in ClinVar:

NM_000290.4(PGAM2):c.160del (p.Ile54fs)

Genes: DBNL (drebrin like; plus strand), PGAM2 (phosphoglycerate mutase 2; minus strand). Cytogenetic location: 7p13.
Variant type: Deletion.
Coding change: c.160del on transcript NM_000290.4 (MANE Select); coding-DNA position 160, one base deleted (A; older notation c.160delA).
Protein change: p.Ile54fs; shifts the reading frame from isoleucine 54.
Molecular consequence: frameshift variant. On other transcripts: 3 prime UTR variant (6).
Genome position (GRCh38, 1-based): chr7:44,065,370, T deleted on the plus strand (A on the coding strand, the reverse complement: PGAM2 is on the minus strand). VCF-style (leftmost placement, unchanged base first): chr7-44065369-AT-A. GRCh37 (hg19) VCF-style: chr7-44104968-AT-A.
Other names: c.*4454del (NM_001014436.3, NM_001122956.2, NM_001284313.2 and 3 more transcripts); short protein forms I54fs.
Identifiers: ClinVar variation 2030700 (VCV002030700.4), dbSNP rs2484210705, ClinGen allele CA2580077144.

ClinVar aggregate classification (germline): Pathogenic (1 of 4 stars; one submission).

Conditions:
Glycogen storage disease type X (GSD10). Also called: Dimauro disease; GSD X; MYOPATHY DUE TO PHOSPHOGLYCERATE MUTASE DEFICIENCY; PGAMM DEFICIENCY; PHOSPHOGLYCERATE MUTASE, MUSCLE, DEFICIENCY OF; Glycogen storage disease due to phosphoglycerate mutase deficiency. Identifiers: Orphanet 97234, MedGen C0268149, MONDO:0009865, OMIM 261670.

Submission:

Labcorp Genetics (formerly Invitae), Labcorp
Classification: Pathogenic for Glycogen storage disease type X. Last evaluated: 2022-09-15. Review status: criteria provided, single submitter. Criteria: Invitae Variant Classification Sherloc (09022015). Collection method: clinical testing. Allele origin: germline.
Comment: For these reasons, this variant has been classified as Pathogenic. This variant has not been reported in the literature in individuals affected with PGAM2-related conditions. This variant is not present in population databases (gnomAD no frequency). This sequence change creates a premature translational stop signal (p.Ile54Serfs*7) in the PGAM2 gene. It is expected to result in an absent or disrupted protein product. Loss-of-function variants in PGAM2 are known to be pathogenic (PMID: 8447317, 19273759).

Literature cited by the submitters: PubMed 8447317; PubMed 19273759.